The following is an entry in ClinVar:

NM_025137.4(SPG11):c.3122_3124del (p.Arg1041del)

Gene: SPG11 (SPG11 vesicle trafficking associated, spatacsin; minus strand). Cytogenetic location: 15q21.1.
Variant type: Deletion.
Coding change: c.3122_3124del on transcript NM_025137.4 (MANE Select); coding-DNA positions 3122 to 3124, 3 bases deleted (GAC; older notation c.3122_3124delGAC).
Protein change: p.Arg1041del; deletes arginine 1041.
Genome position (GRCh38, 1-based): chr15:44,613,451-44,613,453, GTC deleted on the plus strand (GAC on the coding strand, the reverse complement: SPG11 is on the minus strand); deleting any 3 consecutive bases within chr15:44,613,451-44,613,454 gives the same sequence; the c. name uses the placement nearest the transcript's 3' end. VCF-style (leftmost placement, unchanged base first): chr15-44613450-TGTC-T. GRCh37 (hg19) VCF-style: chr15-44905648-TGTC-T.
Other names: c.3122_3124del, p.Arg1041del (NM_001160227.2, NM_001411132.1); c.3122_3124delGAC (NM_025137.4); short protein forms R1041del.
Identifiers: ClinVar variation 3897022 (VCV003897022.1).
Genomic context (GRCh38, chr15:44,613,450, plus strand): 5'-TCCAAAGCAAGTTTCTGTGTTTAATACAGTATACCCATACCTGTTAAGTTACTGGCAACT[TGTC>T]GACACTGAACTAAAAATTCAAACCAAGGGTGTGCTTCATGTAACTCTTTTTTTTCCAAAA-3'

ClinVar aggregate classification (germline): Uncertain significance (1 of 4 stars; one submission).

Conditions:
Hereditary spastic paraplegia 11. Also called: SPASTIC PARAPLEGIA, AUTOSOMAL RECESSIVE, COMPLICATED, WITH THIN CORPUS CALLOSUM; SPASTIC PARAPLEGIA, AUTOSOMAL RECESSIVE, WITH MENTAL IMPAIRMENT AND THIN CORPUS CALLOSUM; Spastic Paraplegia 11; Spastic paraplegia, mental retardation and thin corpus callosum; Nakamura Osame syndrome; Autosomal recessive hereditary spastic paraplegia, mental impairment, and thin corpus callosum. Identifiers: Orphanet 2822, MedGen C1858479, MONDO:0011445, OMIM 604360.

Submission:

Kariminejad - Najmabadi Pathology & Genetics Center
Classification: Uncertain significance for Hereditary spastic paraplegia 11. Last evaluated: 2024-05-12. Review status: criteria provided, single submitter. Criteria: ACMG Guidelines, 2015. Collection method: clinical testing. Allele origin: germline. Inheritance: Autosomal recessive inheritance. Affected: yes.
Comment: PM2_M,PM4_M